The following is an entry in ClinVar:

NM_015559.3(SETBP1):c.4421T>C (p.Val1474Ala)

Gene: SETBP1 (SET binding protein 1; plus strand). Cytogenetic location: 18q12.3.
Variant type: single nucleotide variant.
Coding change: c.4421T>C on transcript NM_015559.3 (MANE Select); coding-DNA position 4421, T replaced by C.
Protein change: p.Val1474Ala; replaces valine 1474 with alanine.
Molecular consequence: missense variant.
Genome position (GRCh38, 1-based): chr18:45,063,328, T>C. VCF-style: chr18-45063328-T-C. GRCh37 (hg19) VCF-style: chr18-42643293-T-C.
Other names: c.4421T>C, p.Val1474Ala (NM_001379141.1, NM_001379142.1); c.4250T>C, p.Val1417Ala (NM_001410862.1); short protein forms V1474A, V1417A.
Identifiers: ClinVar variation 2713546 (VCV002713546.3), dbSNP rs1356885797, ClinGen allele CA402483373.

ClinVar aggregate classification (germline): Uncertain significance (1 of 4 stars; one submission).

Allele frequency attached by ClinVar (database versions not stated): gnomAD exomes below 0.00001; TOPMed 0.00002.
gnomAD v4.1: 2 of 1,597,434 alleles (0.00013%); highest among the groups gnomAD compares: South Asian, 0.0023%; no homozygotes.

Submission:

Labcorp Genetics (formerly Invitae), Labcorp
Classification: Uncertain significance. Last evaluated: 2024-08-24. Review status: criteria provided, single submitter. Criteria: Invitae Variant Classification Sherloc (09022015). Collection method: clinical testing. Allele origin: germline.
Comment: This sequence change replaces valine, which is neutral and non-polar, with alanine, which is neutral and non-polar, at codon 1474 of the SETBP1 protein (p.Val1474Ala). The frequency data for this variant in the population databases is considered unreliable, as metrics indicate poor data quality at this position in the gnomAD database. This variant has not been reported in the literature in individuals affected with SETBP1-related conditions. Invitae Evidence Modeling of protein sequence and biophysical properties (such as structural, functional, and spatial information, amino acid conservation, physicochemical variation, residue mobility, and thermodynamic stability) indicates that this missense variant is not expected to disrupt SETBP1 protein function with a negative predictive value of 80%. In summary, the available evidence is currently insufficient to determine the role of this variant in disease. Therefore, it has been classified as a Variant of Uncertain Significance.